The following is an entry in ClinVar:

NM_000392.5(ABCC2):c.2626G>C (p.Asp876His)

Genes: ABCC2 (ATP binding cassette subfamily C member 2; plus strand), LOC126861012 (BRD4-independent group 4 enhancer GRCh37_chr10:101589748-101590947; plus strand). Cytogenetic location: 10q24.2.
Variant type: single nucleotide variant.
Coding change: c.2626G>C on transcript NM_000392.5 (MANE Select); coding-DNA position 2626, G replaced by C.
Protein change: p.Asp876His; replaces aspartic acid 876 with histidine.
Molecular consequence: missense variant.
Genome position (GRCh38, 1-based): chr10:99,830,312, G>C. VCF-style: chr10-99830312-G-C. GRCh37 (hg19) VCF-style: chr10-101590069-G-C.
Other names: short protein forms D876H.
Identifiers: ClinVar variation 2110158 (VCV002110158.3), dbSNP rs2493004457, ClinGen allele CA378120321.

ClinVar aggregate classification (germline): Uncertain significance (1 of 4 stars; one submission).

Submission:

Labcorp Genetics (formerly Invitae), Labcorp
Classification: Uncertain significance. Last evaluated: 2025-06-20. Review status: criteria provided, single submitter. Criteria: Invitae Variant Classification Sherloc (09022015). Collection method: clinical testing. Allele origin: germline.
Comment: This sequence change replaces aspartic acid, which is acidic and polar, with histidine, which is basic and polar, at codon 876 of the ABCC2 protein (p.Asp876His). This variant is not present in population databases (gnomAD no frequency). This variant has not been reported in the literature in individuals affected with ABCC2-related conditions. ClinVar contains an entry for this variant (Variation ID: 2110158). Invitae Evidence Modeling of protein sequence and biophysical properties (such as structural, functional, and spatial information, amino acid conservation, physicochemical variation, residue mobility, and thermodynamic stability) indicates that this missense variant is not expected to disrupt ABCC2 protein function with a negative predictive value of 80%. In summary, the available evidence is currently insufficient to determine the role of this variant in disease. Therefore, it has been classified as a Variant of Uncertain Significance.